The following is an entry in ClinVar:

ClinVar aggregate classification (germline): Benign. Review status: criteria provided, single submitter (1 of 4 stars). 2 submissions from 1 submitter: Benign (2). Last evaluated 2018-01-13.

Conditions:
Parietal foramina 1 (PFM1). Also called: FORAMINA PARIETALIA PERMAGNA; PARIETAL FORAMINA, SYMMETRIC. Identifiers: Orphanet 60015, MedGen C1868599, MONDO:0008197, OMIM 168500.
Craniosynostosis 2 (CRS2). Also called: Warman-Mulliken-Hayward syndrome; Craniosynostosis Warman type; Craniosynostosis Boston type. Identifiers: Orphanet 1541, MedGen C1858160, MONDO:0011481, OMIM 604757.

Allele frequency attached by ClinVar (database versions not stated): 1000 Genomes Project 30x 0.00094; 1000 Genomes Project 0.00100; TOPMed 0.00122; gnomAD exomes 0.00150.
gnomAD v4.1: 899 of 641,936 alleles (0.14%); highest among the groups gnomAD compares: South Asian, 0.23%; no homozygotes.

Submissions (2):

Illumina Laboratory Services, Illumina
Classification: Benign for Parietal foramina 1. Last evaluated: 2018-01-13. Review status: criteria provided, single submitter. Criteria: ICSL Variant Classification Criteria 13 December 2019. Collection method: clinical testing. Allele origin: germline.
Comment: This variant was observed in the ICSL laboratory as part of a predisposition screen in an ostensibly healthy population. It had not been previously curated by ICSL or reported in the Human Gene Mutation Database (HGMD: prior to June 1st, 2018), and was therefore a candidate for classification through an automated scoring system. Utilizing variant allele frequency, disease prevalence and penetrance estimates, and inheritance mode, an automated score was calculated to assess if this variant is too frequent to cause the disease. Based on the score and internal cut-off values, a variant classified as benign is not then subjected to further curation. The score for this variant resulted in a classification of benign for this disease.

Illumina Laboratory Services, Illumina
Classification: Benign for Craniosynostosis 2. Last evaluated: 2018-01-13. Review status: criteria provided, single submitter. Criteria: ICSL Variant Classification Criteria 13 December 2019. Collection method: clinical testing. Allele origin: germline.
Comment: the same text as in the submission from Illumina Laboratory Services, Illumina above.

NM_002449.5(MSX2):c.*172G>A

Gene: MSX2 (msh homeobox 2; plus strand). Cytogenetic location: 5q35.2.
Variant type: single nucleotide variant.
Coding change: c.*172G>A on transcript NM_002449.5 (MANE Select); 172 bases downstream of the stop codon, G replaced by A.
Molecular consequence: 3 prime UTR variant.
Genome position (GRCh38, 1-based): chr5:174,729,755, G>A. VCF-style: chr5-174729755-G-A. GRCh37 (hg19) VCF-style: chr5-174156758-G-A.
Other names: c.*600G>A (NM_001363626.2).
Identifiers: ClinVar variation 352842 (VCV000352842.5), dbSNP rs577291689, ClinGen allele CA10621333.